The following is an entry in ClinVar:

ClinVar aggregate classification (germline): Uncertain significance (1 of 4 stars; one submission).

Allele frequency attached by ClinVar (database versions not stated): gnomAD exomes 0.00001; TOPMed 0.00001.
gnomAD v4.1: 9 of 1,583,474 alleles (0.00057%); highest among the groups gnomAD compares: Non-Finnish European, 0.00077%; no homozygotes.

Submission:

Labcorp Genetics (formerly Invitae), Labcorp
Classification: Uncertain significance. Last evaluated: 2024-06-24. Review status: criteria provided, single submitter. Criteria: Invitae Variant Classification Sherloc (09022015). Collection method: clinical testing. Allele origin: germline.
Comment: This sequence change falls in intron 10 of the STT3A gene. It does not directly change the encoded amino acid sequence of the STT3A protein. It affects a nucleotide within the consensus splice site. This variant is not present in population databases (gnomAD no frequency). This variant has not been reported in the literature in individuals affected with STT3A-related conditions. Variants that disrupt the consensus splice site are a relatively common cause of aberrant splicing (PMID: 17576681, 9536098). Algorithms developed to predict the effect of sequence changes on RNA splicing suggest that this variant is not likely to affect RNA splicing. In summary, the available evidence is currently insufficient to determine the role of this variant in disease. Therefore, it has been classified as a Variant of Uncertain Significance.

Literature cited by the submitters: PubMed 17576681; PubMed 9536098.

NM_152713.5(STT3A):c.961+4G>A

Gene: STT3A (STT3 oligosaccharyltransferase complex catalytic subunit A; plus strand). Cytogenetic location: 11q24.2.
Variant type: single nucleotide variant.
Coding change: c.961+4G>A on transcript NM_152713.5 (MANE Select); 4 bases into the intron after coding-DNA position 961, G replaced by A.
Molecular consequence: intron variant.
Genome position (GRCh38, 1-based): chr11:125,608,293, G>A. VCF-style: chr11-125608293-G-A. GRCh37 (hg19) VCF-style: chr11-125478188-G-A.
Other names: c.961+4G>A (NM_001278503.2); c.685+4G>A (NM_001278504.2).
Identifiers: ClinVar variation 3000700 (VCV003000700.3), dbSNP rs1939895857, ClinGen allele CA2006710617.